The following is an entry in ClinVar:

NM_004380.3(CREBBP):c.4861C>T (p.Leu1621=)

Gene: CREBBP (CREB binding lysine acetyltransferase; minus strand). Cytogenetic location: 16p13.3.
Variant type: single nucleotide variant.
Coding change: c.4861C>T on transcript NM_004380.3 (MANE Select); coding-DNA position 4861, C replaced by T.
Protein change: p.Leu1621=; no amino-acid change (leucine 1621 retained).
Molecular consequence: synonymous variant.
Genome position (GRCh38, 1-based): chr16:3,731,805, G>A on the plus strand (C>T on the coding strand, the complement: CREBBP is on the minus strand). VCF-style: chr16-3731805-G-A. GRCh37 (hg19) VCF-style: chr16-3781806-G-A.
Other names: c.4861C>T (NM_004380.2); c.4747C>T, p.Leu1583= (NM_001079846.1).
Identifiers: ClinVar variation 2161701 (VCV002161701.5), dbSNP rs368186457, ClinGen allele CA7869414.

ClinVar aggregate classification (germline): Likely benign. Review status: criteria provided, single submitter (1 of 4 stars). 2 submissions from 2 submitters: Likely benign (1). 1 of the submissions does not count toward it. Last evaluated 2024-12-17.

Conditions:
CREBBP-related disorder. Also called: CREBBP-related disorders; CREBBP-related condition.
Rubinstein-Taybi syndrome (RSTS). Identifiers: Orphanet 783, MedGen C0035934, MONDO:0019188.

Allele frequency attached by ClinVar (database versions not stated): gnomAD 0.00002; ESP Exome Variant Server 0.00008.
gnomAD v4.1: 8 of 1,614,162 alleles (0.0005%); highest among the groups gnomAD compares: African/African-American, 0.004%; no homozygotes.

Submissions (2):

Labcorp Genetics (formerly Invitae), Labcorp
Classification: Likely benign for Rubinstein-Taybi syndrome. Last evaluated: 2024-12-17. Review status: criteria provided, single submitter. Criteria: Invitae Variant Classification Sherloc (09022015). Collection method: clinical testing. Allele origin: germline.

PreventionGenetics, part of Exact Sciences
Classification: Likely benign for CREBBP-related condition. Last evaluated: 2024-05-08. Review status: no assertion criteria provided. Collection method: clinical testing. Allele origin: germline. Not counted in ClinVar's aggregate classification.
Comment: This variant is classified as likely benign based on ACMG/AMP sequence variant interpretation guidelines (Richards et al. 2015 PMID: 25741868, with internal and published modifications).